The following is an entry in ClinVar:

NM_001077350.3(NPRL3):c.577C>T (p.His193Tyr)

Genes: HBA-LCR (alpha-globin locus control region; plus strand), NPRL3 (NPR3 like, GATOR1 complex subunit; minus strand). Cytogenetic location: 16p13.3.
Variant type: single nucleotide variant.
Coding change: c.577C>T on transcript NM_001077350.3 (MANE Select); coding-DNA position 577, C replaced by T.
Protein change: p.His193Tyr; replaces histidine 193 with tyrosine.
Molecular consequence: missense variant.
Genome position (GRCh38, 1-based): chr16:110,577, G>A on the plus strand (C>T on the coding strand, the complement: NPRL3 is on the minus strand). VCF-style: chr16-110577-G-A. GRCh37 (hg19) VCF-style: chr16-160575-G-A.
Other names: c.40C>T, p.His14Tyr (NM_001039476.3); c.343C>T, p.His115Tyr (NM_001243247.2); c.502C>T, p.His168Tyr (NM_001243248.2, NM_001243249.2); c.577C>T (NM_001077350.2); short protein forms H193Y, H14Y, H115Y, H168Y.
Identifiers: ClinVar variation 1491374 (VCV001491374.7), dbSNP rs1367511037, ClinGen allele CA393992840.

ClinVar aggregate classification (germline): Uncertain significance. Review status: criteria provided, multiple submitters, no conflicts (2 of 4 stars). 2 submissions from 2 submitters: Uncertain significance (2). Last evaluated 2024-09-14.

Conditions:
Inborn genetic diseases. Identifiers: MedGen C0950123, MeSH D030342.
Epilepsy, familial focal, with variable foci 3 (FFEVF3). Identifiers: MedGen C4310708, MONDO:0014925, OMIM 617118.

Allele frequency attached by ClinVar (database versions not stated): gnomAD exomes below 0.00001.

Submissions (2):

Labcorp Genetics (formerly Invitae), Labcorp
Classification: Uncertain significance for Epilepsy, familial focal, with variable foci 3. Last evaluated: 2024-09-14. Review status: criteria provided, single submitter. Criteria: Invitae Variant Classification Sherloc (09022015). Collection method: clinical testing. Allele origin: germline.
Comment: This sequence change replaces histidine, which is basic and polar, with tyrosine, which is neutral and polar, at codon 193 of the NPRL3 protein (p.His193Tyr). This variant is not present in population databases (gnomAD no frequency). This variant has not been reported in the literature in individuals affected with NPRL3-related conditions. ClinVar contains an entry for this variant (Variation ID: 1491374). Invitae Evidence Modeling of protein sequence and biophysical properties (such as structural, functional, and spatial information, amino acid conservation, physicochemical variation, residue mobility, and thermodynamic stability) indicates that this missense variant is not expected to disrupt NPRL3 protein function with a negative predictive value of 80%. In summary, the available evidence is currently insufficient to determine the role of this variant in disease. Therefore, it has been classified as a Variant of Uncertain Significance.

Ambry Genetics
Classification: Uncertain significance for Inborn genetic diseases. Last evaluated: 2024-08-19. Review status: criteria provided, single submitter. Criteria: Ambry Variant Classification Scheme 2023. Collection method: clinical testing. Allele origin: germline.